The following is an entry in ClinVar:

NM_004086.3(COCH):c.1016C>T (p.Thr339Ile)

Genes: COCH (cochlin; plus strand), COCH-AS1 (COCH antisense RNA 1; minus strand). Cytogenetic location: 14q12.
Variant type: single nucleotide variant.
Coding change: c.1016C>T on transcript NM_004086.3 (MANE Select); coding-DNA position 1016, C replaced by T.
Protein change: p.Thr339Ile; replaces threonine 339 with isoleucine.
Molecular consequence: missense variant. On other transcripts: non-coding transcript variant (1).
Genome position (GRCh38, 1-based): chr14:30,885,851, C>T. VCF-style: chr14-30885851-C-T. GRCh37 (hg19) VCF-style: chr14-31355057-C-T.
Other names: c.1016C>T, p.Thr339Ile (NM_001135058.2); c.1211C>T, p.Thr404Ile (NM_001347720.2); short protein forms T339I, T404I.
Identifiers: ClinVar variation 3907820 (VCV003907820.1).
Genomic context (GRCh38, chr14:30,885,851, plus strand): 5'-ATTAGGCTGTCTGTCGGAATAATGGCTTCTTCTCTTACCACATGCCCAACTGGTTTGGCA[C>T]CACAAAATACGTAAAGCCTCTGGTACAGAAGCTGTGCACTCATGAACAAATGATGTGCAG-3'
Protein context (NP_004077.1, residues 329-349): FSYHMPNWFG[Thr339Ile]TKYVKPLVQK

ClinVar aggregate classification (germline): Uncertain significance (1 of 4 stars; one submission).

gnomAD v4.1: 3 of 1,614,104 alleles (0.00019%); highest among the groups gnomAD compares: East Asian, 0.0022%; no homozygotes.

Submission:

GeneDx
Classification: Uncertain significance. Last evaluated: 2024-12-26. Review status: criteria provided, single submitter. Criteria: GeneDx Variant Classification Process June 2021. Collection method: clinical testing. Allele origin: germline. Affected: yes.
Comment: Not observed at significant frequency in large population cohorts (gnomAD); In silico analysis indicates that this missense variant does not alter protein structure/function; Has not been previously published as pathogenic or benign to our knowledge